The following is an entry in ClinVar:

ClinVar aggregate classification (germline): Uncertain significance (1 of 4 stars; one submission).

Conditions:
Hereditary cancer-predisposing syndrome. Also called: Tumor predisposition; Hereditary Cancer Syndrome; Neoplastic Syndromes, Hereditary; Hereditary neoplastic syndrome. Identifiers: Orphanet 140162, MedGen C0027672, MeSH D009386, MONDO:0015356.

Submission:

Ambry Genetics
Classification: Uncertain significance for Hereditary cancer-predisposing syndrome. Last evaluated: 2019-10-11. Review status: criteria provided, single submitter. Criteria: Ambry Variant Classification Scheme 2023. Collection method: clinical testing. Allele origin: germline.
Comment: The p.L314R variant (also known as c.941T>G), located in coding exon 8 of the MRE11A gene, results from a T to G substitution at nucleotide position 941. The leucine at codon 314 is replaced by arginine, an amino acid with dissimilar properties. This amino acid position is highly conserved in available vertebrate species. In addition, this alteration is predicted to be deleterious by in silico analysis. Since supporting evidence is limited at this time, the clinical significance of this alteration remains unclear.

NM_005591.4(MRE11):c.941T>G (p.Leu314Arg)

Gene: MRE11 (MRE11 double strand break repair nuclease; minus strand). Cytogenetic location: 11q21.
Variant type: single nucleotide variant.
Coding change: c.941T>G on transcript NM_005591.4 (MANE Select); coding-DNA position 941, T replaced by G.
Protein change: p.Leu314Arg; replaces leucine 314 with arginine.
Molecular consequence: missense variant.
Genome position (GRCh38, 1-based): chr11:94,470,547, A>C on the plus strand (T>G on the coding strand, the complement: MRE11 is on the minus strand). VCF-style: chr11-94470547-A-C. GRCh37 (hg19) VCF-style: chr11-94203713-A-C.
Other names: c.941T>G, p.Leu314Arg (NM_001330347.2, NM_005590.4); short protein forms L314R.
Identifiers: ClinVar variation 823243 (VCV000823243.4), dbSNP rs1555012702, ClinGen allele CA382374385.
Genomic context (GRCh38, chr11:94,470,547, plus strand): 5'-CTTTGTATGGCTTGGGTTACTTTAGGATTATCTGGGTTAAAAATGTCTGGATGATTAGCT[A>C]GAACAATATCCTCCATGAAAAACTGCCGCACTGTGTGAAGAGGAATTTTATGCATATTCA-3'
Protein context (NP_005582.1, residues 304-324): VRQFFMEDIV[Leu314Arg]ANHPDIFNPD